The following is an entry in ClinVar:

ClinVar aggregate classification (germline): Uncertain significance (1 of 4 stars; one submission).

gnomAD v4.1: 4 of 1,599,356 alleles (0.00025%); highest among the groups gnomAD compares: Non-Finnish European, 0.00034%; no homozygotes.

Submission:

Labcorp Genetics (formerly Invitae), Labcorp
Classification: Uncertain significance. Last evaluated: 2025-04-13. Review status: criteria provided, single submitter. Criteria: Invitae Variant Classification Sherloc (09022015). Collection method: clinical testing. Allele origin: germline.
Comment: This sequence change replaces alanine, which is neutral and non-polar, with serine, which is neutral and polar, at codon 100 of the LOX protein (p.Ala100Ser). The frequency data for this variant in the population databases is considered unreliable, as metrics indicate poor data quality at this position in the gnomAD database. This variant has not been reported in the literature in individuals affected with LOX-related conditions. ClinVar contains an entry for this variant (Variation ID: 2778762). Invitae Evidence Modeling of protein sequence and biophysical properties (such as structural, functional, and spatial information, amino acid conservation, physicochemical variation, residue mobility, and thermodynamic stability) indicates that this missense variant is not expected to disrupt LOX protein function with a negative predictive value of 95%. In summary, the available evidence is currently insufficient to determine the role of this variant in disease. Therefore, it has been classified as a Variant of Uncertain Significance.

NM_002317.7(LOX):c.298G>T (p.Ala100Ser)

Genes: SRFBP1 (serum response factor binding protein 1; plus strand), LOX (lysyl oxidase; minus strand). Cytogenetic location: 5q23.1.
Variant type: single nucleotide variant.
Coding change: c.298G>T on transcript NM_002317.7 (MANE Select); coding-DNA position 298, G replaced by T.
Protein change: p.Ala100Ser; replaces alanine 100 with serine.
Molecular consequence: missense variant.
Genome position (GRCh38, 1-based): chr5:122,077,688, C>A on the plus strand (G>T on the coding strand, the complement: LOX is on the minus strand). VCF-style: chr5-122077688-C-A. GRCh37 (hg19) VCF-style: chr5-121413383-C-A.
Other names: short protein forms A100S.
Identifiers: ClinVar variation 2778762 (VCV002778762.3), dbSNP rs762913437, ClinGen allele CA360877034.